The following is an entry in ClinVar:

ClinVar aggregate classification (germline): Uncertain significance. Review status: criteria provided, multiple submitters, no conflicts (2 of 4 stars). 2 submissions from 2 submitters: Uncertain significance (2). Last evaluated 2021-09-20.

Conditions:
Hereditary cancer-predisposing syndrome. Also called: Neoplastic Syndromes, Hereditary; Tumor predisposition; Hereditary neoplastic syndrome; Hereditary Cancer Syndrome. Identifiers: Orphanet 140162, MedGen C0027672, MeSH D009386, MONDO:0015356.

gnomAD v4.1: 2 of 1,613,804 alleles (0.00012%); highest among the groups gnomAD compares: South Asian, 0.0022%; no homozygotes.

Submissions (2):

Labcorp Genetics (formerly Invitae), Labcorp
Classification: Uncertain significance for Hereditary cancer-predisposing syndrome. Last evaluated: 2021-09-20. Review status: criteria provided, single submitter. Criteria: Invitae Variant Classification Sherloc (09022015). Collection method: clinical testing. Allele origin: germline.
Comment: In summary, the available evidence is currently insufficient to determine the role of this variant in disease. Therefore, it has been classified as a Variant of Uncertain Significance. Algorithms developed to predict the effect of missense changes on protein structure and function (SIFT, PolyPhen-2, Align-GVGD) all suggest that this variant is likely to be tolerated. This variant has not been reported in the literature in individuals affected with RAD50-related conditions. This variant is not present in population databases (ExAC no frequency). This sequence change replaces arginine with glycine at codon 1093 of the RAD50 protein (p.Arg1093Gly). The arginine residue is moderately conserved and there is a moderate physicochemical difference between arginine and glycine.

Ambry Genetics
Classification: Uncertain significance for Hereditary cancer-predisposing syndrome. Last evaluated: 2019-04-08. Review status: criteria provided, single submitter. Criteria: Ambry Variant Classification Scheme 2023. Collection method: clinical testing. Allele origin: germline.
Comment: The p.R1093G variant (also known as c.3277C>G), located in coding exon 21 of the RAD50 gene, results from a C to G substitution at nucleotide position 3277. The arginine at codon 1093 is replaced by glycine, an amino acid with dissimilar properties. This amino acid position is well conserved in available vertebrate species. In addition, this alteration is predicted to be tolerated by in silico analysis. Since supporting evidence is limited at this time, the clinical significance of this alteration remains unclear.

NM_005732.4(RAD50):c.3277C>G (p.Arg1093Gly)

Gene: RAD50 (RAD50 double strand break repair protein; plus strand). Cytogenetic location: 5q31.1.
Variant type: single nucleotide variant.
Coding change: c.3277C>G on transcript NM_005732.4 (MANE Select); coding-DNA position 3277, C replaced by G.
Protein change: p.Arg1093Gly; replaces arginine 1093 with glycine.
Molecular consequence: missense variant.
Genome position (GRCh38, 1-based): chr5:132,618,182, C>G. VCF-style: chr5-132618182-C-G. GRCh37 (hg19) VCF-style: chr5-131953874-C-G.
Other names: short protein forms R1093G.
Identifiers: ClinVar variation 566506 (VCV000566506.13), dbSNP rs121912628, ClinGen allele CA360964657.